The following is an entry in ClinVar:

NM_006389.5(HYOU1):c.944G>A (p.Arg315Gln)

Gene: HYOU1 (hypoxia up-regulated 1; minus strand). Cytogenetic location: 11q23.3.
Variant type: single nucleotide variant.
Coding change: c.944G>A on transcript NM_006389.5 (MANE Select); coding-DNA position 944, G replaced by A.
Protein change: p.Arg315Gln; replaces arginine 315 with glutamine.
Molecular consequence: missense variant.
Genome position (GRCh38, 1-based): chr11:119,052,680, C>T on the plus strand (G>A on the coding strand, the complement: HYOU1 is on the minus strand). VCF-style: chr11-119052680-C-T. GRCh37 (hg19) VCF-style: chr11-118923392-C-T.
Other names: c.944G>A, p.Arg315Gln (NM_001130991.3, NM_001411041.1); short protein forms R315Q.
Identifiers: ClinVar variation 2831765 (VCV002831765.3), dbSNP rs928046657, ClinGen allele CA229623572.

ClinVar aggregate classification (germline): Uncertain significance (1 of 4 stars; one submission).

Allele frequency attached by ClinVar (database versions not stated): gnomAD exomes 0.00001; TOPMed 0.00001; gnomAD 0.00002.

Submission:

Labcorp Genetics (formerly Invitae), Labcorp
Classification: Uncertain significance. Last evaluated: 2023-12-08. Review status: criteria provided, single submitter. Criteria: Invitae Variant Classification Sherloc (09022015). Collection method: clinical testing. Allele origin: germline.
Comment: This sequence change replaces arginine, which is basic and polar, with glutamine, which is neutral and polar, at codon 315 of the HYOU1 protein (p.Arg315Gln). This variant is present in population databases (no rsID available, gnomAD 0.0009%). This variant has not been reported in the literature in individuals affected with HYOU1-related conditions. An algorithm developed to predict the effect of missense changes on protein structure and function (PolyPhen-2) suggests that this variant is likely to be disruptive. In summary, the available evidence is currently insufficient to determine the role of this variant in disease. Therefore, it has been classified as a Variant of Uncertain Significance.